The following is an entry in ClinVar:

NM_007194.4(CHEK2):c.1461G>A (p.Gln487=)

Gene: CHEK2 (checkpoint kinase 2; minus strand). Cytogenetic location: 22q12.1.
Variant type: single nucleotide variant.
Coding change: c.1461G>A on transcript NM_007194.4 (MANE Select); coding-DNA position 1461, G replaced by A.
Protein change: p.Gln487=; no amino-acid change (glutamine 487 retained).
Molecular consequence: synonymous variant.
Genome position (GRCh38, 1-based): chr22:28,694,032, C>T on the plus strand (G>A on the coding strand, the complement: CHEK2 is on the minus strand). VCF-style: chr22-28694032-C-T. GRCh37 (hg19) VCF-style: chr22-29090020-C-T.
Other names: c.1590G>A, p.Gln530= (NM_001005735.3); c.798G>A, p.Gln266= (NM_001257387.3); c.1260G>A, p.Gln420= (NM_001349956.3); c.1374G>A, p.Gln458= (NM_145862.3).
Identifiers: ClinVar variation 410032 (VCV000410032.16), dbSNP rs1060502701, ClinGen allele CA16616328.

ClinVar aggregate classification (germline): Uncertain significance. Review status: criteria provided, multiple submitters, no conflicts (2 of 4 stars). 4 submissions from 4 submitters: Uncertain significance (4). Last evaluated 2026-05-01.

Conditions:
Hereditary cancer-predisposing syndrome. Also called: Hereditary Cancer Syndrome; Tumor predisposition; Hereditary neoplastic syndrome; Neoplastic Syndromes, Hereditary. Identifiers: Orphanet 140162, MedGen C0027672, MeSH D009386, MONDO:0015356.
Familial cancer of breast. Also called: Hereditary breast cancer; BREAST CANCER, FAMILIAL; hereditary breast carcinoma. Identifiers: Orphanet 227535, MedGen C0346153, MONDO:0016419, OMIM 114480. Disease mechanism: loss of function.

Submissions (4):

Ambry Genetics
Classification: Uncertain significance for Hereditary cancer-predisposing syndrome. Last evaluated: 2026-05-01. Review status: criteria provided, single submitter. Criteria: Ambry Variant Classification Scheme 2023. Collection method: clinical testing. Allele origin: germline.
Comment: The c.1461G>A variant (also known as p.Q487Q) is located in coding exon 12 of the CHEK2 gene. This variant results from a G to A substitution at nucleotide position 1461. This nucleotide substitution does not change the glutamine at codon 487. However, this change occurs in the last base pair of coding exon 12, which makes it likely to have some effect on normal mRNA splicing. This nucleotide position is highly conserved in available vertebrate species. In silico splice site analysis predicts that this alteration will weaken the native splice donor site. Since supporting evidence is limited at this time, the clinical significance of this alteration remains unclear.

Center for Genomic Medicine, Rigshospitalet, Copenhagen University Hospital
Classification: Uncertain significance. Last evaluated: 2025-03-04. Review status: criteria provided, single submitter. Criteria: ACMG Guidelines, 2015. Collection method: clinical testing. Allele origin: germline.

Baylor Genetics
Classification: Uncertain significance for Familial cancer of breast. Last evaluated: 2023-11-28. Review status: criteria provided, single submitter. Criteria: ACMG Guidelines, 2015. Collection method: clinical testing. Allele origin: unknown.

Labcorp Genetics (formerly Invitae), Labcorp
Classification: Uncertain significance for Familial cancer of breast. Last evaluated: 2023-03-15. Review status: criteria provided, single submitter. Criteria: Invitae Variant Classification Sherloc (09022015). Collection method: clinical testing. Allele origin: germline.
Comment: This sequence change affects codon 487 of the CHEK2 mRNA. It is a 'silent' change, meaning that it does not change the encoded amino acid sequence of the CHEK2 protein. This variant also falls at the last nucleotide of exon 13, which is part of the consensus splice site for this exon. This variant is not present in population databases (gnomAD no frequency). This variant has not been reported in the literature in individuals affected with CHEK2-related conditions. ClinVar contains an entry for this variant (Variation ID: 410032). Variants that disrupt the consensus splice site are a relatively common cause of aberrant splicing (PMID: 17576681, 9536098). Algorithms developed to predict the effect of sequence changes on RNA splicing suggest that this variant may disrupt the consensus splice site. In summary, the available evidence is currently insufficient to determine the role of this variant in disease. Therefore, it has been classified as a Variant of Uncertain Significance.

Literature cited by the submitters: PubMed 24549055 (cited by Center for Genomic Medicine, Rigshospitalet, Copenhagen University Hospital); PubMed 17576681 (cited by Labcorp Genetics (formerly Invitae), Labcorp); PubMed 9536098 (cited by Labcorp Genetics (formerly Invitae), Labcorp).